The following is an entry in ClinVar:

NM_012199.5(AGO1):c.873-9T>A

Genes: AGO1 (argonaute RISC component 1; plus strand), LOC126805695 (MED14-independent group 3 enhancer GRCh37_chr1:36359789-36360988; plus strand). Cytogenetic location: 1p34.3.
Variant type: single nucleotide variant.
Coding change: c.873-9T>A on transcript NM_012199.5 (MANE Select); 9 bases into the intron before coding-DNA position 873, T replaced by A.
Molecular consequence: intron variant.
Genome position (GRCh38, 1-based): chr1:35,895,113, T>A. VCF-style: chr1-35895113-T-A. GRCh37 (hg19) VCF-style: chr1-36360714-T-A.
Other names: c.648-9T>A (NM_001317123.2); c.873-9T>A (NM_001317122.2).
Identifiers: ClinVar variation 4992961 (VCV004992961.1).

ClinVar aggregate classification (germline): Likely benign (1 of 4 stars; one submission).

Conditions:
AGO1-related disorder. Also called: AGO1-related condition.

Submission:

PreventionGenetics, part of Exact Sciences
Classification: Likely benign for AGO1-related condition. Last evaluated: 2026-05-26. Review status: criteria provided, single submitter. Criteria: ACMG Guidelines, 2015. Collection method: clinical testing. Allele origin: germline.
Comment: This variant is classified as likely benign based on ACMG/AMP sequence variant interpretation guidelines (Richards et al. 2015 PMID: 25741868, with internal and published modifications).